The following is an entry in ClinVar:

NM_003850.3(SUCLA2):c.611T>G (p.Ile204Ser)

Gene: SUCLA2 (succinate-CoA ligase ADP-forming subunit beta; minus strand). Cytogenetic location: 13q14.2.
Variant type: single nucleotide variant.
Coding change: c.611T>G on transcript NM_003850.3 (MANE Select); coding-DNA position 611, T replaced by G.
Protein change: p.Ile204Ser; replaces isoleucine 204 with serine.
Molecular consequence: missense variant.
Genome position (GRCh38, 1-based): chr13:47,973,316, A>C on the plus strand (T>G on the coding strand, the complement: SUCLA2 is on the minus strand). VCF-style: chr13-47973316-A-C. GRCh37 (hg19) VCF-style: chr13-48547451-A-C.
Other names: short protein forms I204S.
Identifiers: ClinVar variation 3631963 (VCV003631963.2).

ClinVar aggregate classification (germline): Uncertain significance (1 of 4 stars; one submission).

Conditions:
Mitochondrial DNA depletion syndrome, encephalomyopathic form with methylmalonic aciduria (MTDPS5). Also called: Mitochondrial encephalomyopathy aminoacidopathy; SUCLA2-Related Mitochondrial DNA Depletion Syndrome, Encephalomyopathic Form with Methylmalonic Aciduria; MITOCHONDRIAL DNA DEPLETION SYNDROME, ENCEPHALOMYOPATHIC FORM, WITH OR WITHOUT METHYLMALONIC ACIDURIA, AUTOSOMAL RECESSIVE, SUCLA2-RELATED; Mitochondrial DNA depletion syndrome 5 (encephalomyopathic with or without methylmalonic aciduria). Identifiers: Orphanet 1933, MedGen C5980207, MONDO:0012791, OMIM 612073.

gnomAD v4.1: 48 of 1,613,500 alleles (0.003%); highest among the groups gnomAD compares: Non-Finnish European, 0.0038%; no homozygotes.

Submission:

Labcorp Genetics (formerly Invitae), Labcorp
Classification: Uncertain significance for Mitochondrial DNA depletion syndrome, encephalomyopathic form with methylmalonic aciduria. Last evaluated: 2024-10-27. Review status: criteria provided, single submitter. Criteria: Invitae Variant Classification Sherloc (09022015). Collection method: clinical testing. Allele origin: germline.
Comment: This sequence change replaces isoleucine, which is neutral and non-polar, with serine, which is neutral and polar, at codon 204 of the SUCLA2 protein (p.Ile204Ser). This variant is present in population databases (rs536250899, gnomAD 0.01%). This variant has not been reported in the literature in individuals affected with SUCLA2-related conditions. Invitae Evidence Modeling of protein sequence and biophysical properties (such as structural, functional, and spatial information, amino acid conservation, physicochemical variation, residue mobility, and thermodynamic stability) indicates that this missense variant is not expected to disrupt SUCLA2 protein function with a negative predictive value of 80%. In summary, the available evidence is currently insufficient to determine the role of this variant in disease. Therefore, it has been classified as a Variant of Uncertain Significance.